The following is an entry in ClinVar:

NM_015102.5(NPHP4):c.310C>G (p.Pro104Ala)

Gene: NPHP4 (nephrocystin 4; minus strand). Cytogenetic location: 1p36.31.
Variant type: single nucleotide variant.
Coding change: c.310C>G on transcript NM_015102.5 (MANE Select); coding-DNA position 310, C replaced by G.
Protein change: p.Pro104Ala; replaces proline 104 with alanine.
Molecular consequence: missense variant. On other transcripts: 5 prime UTR variant (2), non-coding transcript variant (1).
Genome position (GRCh38, 1-based): chr1:5,969,229, G>C on the plus strand (C>G on the coding strand, the complement: NPHP4 is on the minus strand). VCF-style: chr1-5969229-G-C. GRCh37 (hg19) VCF-style: chr1-6029289-G-C.
Other names: c.-920C>G (NM_001291593.2); c.-1057C>G (NM_001291594.2); short protein forms P104A.
Identifiers: ClinVar variation 1063264 (VCV001063264.9), dbSNP rs1286255762, ClinGen allele CA338050581.
Genomic context (GRCh38, chr1:5,969,229, plus strand): 5'-GGAGGCTCCCATCCCGTTTCTTGCCCTCAGCGACCACTTCCACCACAGCCACGATATGAG[G>C]GTGGTTTAGGGATGTGTGAAAATACAAGGGCTGCAGAACAGAAGCCAGAGGATGGTCTGA-3'
Protein context (NP_055917.1, residues 94-114): PLYFHTSLNH[Pro104Ala]HIVAVVEVVA

ClinVar aggregate classification (germline): Uncertain significance (1 of 4 stars; one submission).

Conditions:
Nephronophthisis. Also called: Juvenile Nephronophthisis. Identifiers: Orphanet 655, MedGen C0687120, MONDO:0019005, HP:0000090.

Submission:

Labcorp Genetics (formerly Invitae), Labcorp
Classification: Uncertain significance for Nephronophthisis. Last evaluated: 2020-03-20. Review status: criteria provided, single submitter. Criteria: Invitae Variant Classification Sherloc (09022015). Collection method: clinical testing. Allele origin: germline.
Comment: Algorithms developed to predict the effect of missense changes on protein structure and function are either unavailable or do not agree on the potential impact of this missense change (SIFT: "Tolerated"; PolyPhen-2: "Possibly Damaging"; Align-GVGD: "Class C0"). In summary, the available evidence is currently insufficient to determine the role of this variant in disease. Therefore, it has been classified as a Variant of Uncertain Significance. This variant has not been reported in the literature in individuals with NPHP4-related conditions. This sequence change replaces proline with alanine at codon 104 of the NPHP4 protein (p.Pro104Ala). The proline residue is moderately conserved and there is a small physicochemical difference between proline and alanine. This variant is not present in population databases (ExAC no frequency).